The following is an entry in ClinVar:

NM_001377275.1(PER3):c.3181G>A (p.Glu1061Lys)

Gene: PER3 (period circadian regulator 3; plus strand). Cytogenetic location: 1p36.23.
Variant type: single nucleotide variant.
Coding change: c.3181G>A on transcript NM_001377275.1 (MANE Select); coding-DNA position 3181, G replaced by A.
Protein change: p.Glu1061Lys; replaces glutamic acid 1061 with lysine.
Molecular consequence: missense variant.
Genome position (GRCh38, 1-based): chr1:7,830,128, G>A. VCF-style: chr1-7830128-G-A. GRCh37 (hg19) VCF-style: chr1-7890188-G-A.
Other names: c.3124G>A, p.Glu1042Lys (NM_001289861.2); c.3181G>A, p.Glu1061Lys (NM_001289862.2); c.3103G>A, p.Glu1035Lys (NM_001289863.3); c.2221G>A, p.Glu741Lys (NM_001289864.3); c.3157G>A, p.Glu1053Lys (NM_001377276.1); c.3154G>A, p.Glu1052Lys (NM_016831.4); c.3154G>A (NM_016831.1); short protein forms E1035K, E1042K, E1052K, E1053K, E1061K, E741K.
Identifiers: ClinVar variation 3049280 (VCV003049280.3), dbSNP rs113009468, ClinGen allele CA568677.

ClinVar aggregate classification (germline): Uncertain significance. Review status: criteria provided, single submitter (1 of 4 stars). 2 submissions from 2 submitters: Uncertain significance (1). 1 of the submissions does not count toward it. Last evaluated 2022-05-18.

Conditions:
PER3-related disorder. Also called: PER3-related condition.

Allele frequency attached by ClinVar (database versions not stated): gnomAD 0.00008; TOPMed 0.00011; ExAC 0.00017; ESP Exome Variant Server 0.00023.
gnomAD v4.1: 119 of 1,613,970 alleles (0.0074%); highest among the groups gnomAD compares: Non-Finnish European, 0.0031%; 1 homozygote.

Submissions (2):

Ambry Genetics
Classification: Uncertain significance. Last evaluated: 2022-05-18. Review status: criteria provided, single submitter. Criteria: Ambry Variant Classification Scheme 2023. Collection method: clinical testing. Allele origin: germline.

PreventionGenetics, part of Exact Sciences
Classification: Likely benign for PER3-related condition. Last evaluated: 2019-11-19. Review status: no assertion criteria provided. Collection method: clinical testing. Allele origin: germline. Not counted in ClinVar's aggregate classification.
Comment: This variant is classified as likely benign based on ACMG/AMP sequence variant interpretation guidelines (Richards et al. 2015 PMID: 25741868, with internal and published modifications).